The following is an entry in ClinVar:

ClinVar aggregate classification (germline): Uncertain significance (1 of 4 stars; one submission).

Submission:

Labcorp Genetics (formerly Invitae), Labcorp
Classification: Uncertain significance. Last evaluated: 2025-07-14. Review status: criteria provided, single submitter. Criteria: Invitae Variant Classification Sherloc (09022015). Collection method: clinical testing. Allele origin: germline.
Comment: This variant, c.282_287del, results in the deletion of 2 amino acid(s) of the ARID1B protein (p.His95_His96del), but otherwise preserves the integrity of the reading frame. The frequency data for this variant in the population databases is considered unreliable, as metrics indicate poor data quality at this position in the gnomAD database. This variant has not been reported in the literature in individuals affected with ARID1B-related conditions. Experimental studies and prediction algorithms are not available or were not evaluated, and the functional significance of this variant is currently unknown. In summary, the available evidence is currently insufficient to determine the role of this variant in disease. Therefore, it has been classified as a Variant of Uncertain Significance.

NM_001374828.1(ARID1B):c.519CCA[4] (p.His178_His179del)

Genes: ARID1B (AT-rich interaction domain 1B; plus strand), LOC115308161 (uncharacterized LOC115308161; minus strand). Cytogenetic location: 6q25.3.
Variant type: Microsatellite.
Coding change: c.519CCA[4] on transcript NM_001374828.1 (MANE Select); four copies in a row of the 3-base unit CCA starting at c.519; the reference has six copies in a row; two copies, 6 bases deleted.
Protein change: p.His178_His179del.
Molecular consequence: inframe deletion. On other transcripts: inframe indel (3).
Genome position (GRCh38, 1-based): chr6:156,778,211-156,778,216, CCACCA deleted; deleting any 6 consecutive bases within chr6:156,778,199-156,778,216 gives the same sequence; the position shown is the placement nearest the transcript's 3' end. VCF-style (leftmost placement, unchanged base first): chr6-156778198-CCCACCA-C. GRCh37 (hg19) VCF-style: chr6-157099332-CCCACCA-C.
Other names: c.270_272CCA[4], p.His95_His96del (NM_001346813.1, NM_020732.3); c.519CCA[4], p.His178_His179del (NM_001371656.1, NM_001374820.1, NM_017519.3); c.96_98CCA[4], p.His37_His38del (NM_175863.2).
Identifiers: ClinVar variation 1938702 (VCV001938702.5), dbSNP rs754114025, ClinGen allele CA4066638.
Genomic context (GRCh38, chr6:156,778,198, plus strand): 5'-AAACCGTTGGCGAAGCCCCCGCCGCGCCGCCCCACCAGCAGCACCACCACCACCACCATG[CCCACCA>C]CCACCACCACCATGCCCACCACCTCCACCACCACCACGCACTACAGCAGCAGCTAAACCA-3'